The following is an entry in ClinVar:

ClinVar aggregate classification (germline): Uncertain significance (1 of 4 stars; one submission).

Submission:

Labcorp Genetics (formerly Invitae), Labcorp
Classification: Uncertain significance. Last evaluated: 2021-08-12. Review status: criteria provided, single submitter. Criteria: Invitae Variant Classification Sherloc (09022015). Collection method: clinical testing. Allele origin: germline.
Comment: In summary, the available evidence is currently insufficient to determine the role of this variant in disease. Therefore, it has been classified as a Variant of Uncertain Significance. Algorithms developed to predict the effect of missense changes on protein structure and function (SIFT, PolyPhen-2, Align-GVGD) all suggest that this variant is likely to be tolerated. This missense change has been observed in individual(s) with clinical features of DLL1-related neurodevelopmental disorder with brain malformations (Invitae). This variant is not present in population databases (ExAC no frequency). This sequence change replaces asparagine with lysine at codon 213 of the DLL1 protein (p.Asn213Lys). The asparagine residue is moderately conserved and there is a moderate physicochemical difference between asparagine and lysine.

NM_005618.4(DLL1):c.639C>A (p.Asn213Lys)

Gene: DLL1 (delta like canonical Notch ligand 1; minus strand). Cytogenetic location: 6q27.
Variant type: single nucleotide variant.
Coding change: c.639C>A on transcript NM_005618.4 (MANE Select); coding-DNA position 639, C replaced by A.
Protein change: p.Asn213Lys; replaces asparagine 213 with lysine.
Molecular consequence: missense variant.
Genome position (GRCh38, 1-based): chr6:170,288,270, G>T on the plus strand (C>A on the coding strand, the complement: DLL1 is on the minus strand). VCF-style: chr6-170288270-G-T. GRCh37 (hg19) VCF-style: chr6-170597358-G-T.
Other names: short protein forms N213K.
Identifiers: ClinVar variation 1345932 (VCV001345932.6), dbSNP rs145732042, ClinGen allele CA366509122.